The following is an entry in ClinVar:

ClinVar aggregate classification (germline): Conflicting classifications of pathogenicity. Review status: criteria provided, conflicting classifications (1 of 4 stars). 3 submissions from 3 submitters: Uncertain significance (1); Likely benign (2). Last evaluated 2026-09-16.

Conditions:
Inborn genetic diseases. Identifiers: MedGen C0950123, MeSH D030342.
Rubinstein-Taybi syndrome due to EP300 haploinsufficiency. Also called: EP300-Related Rubinstein-Taybi Syndrome; RUBINSTEIN-TAYBI SYNDROME 2. Identifiers: Orphanet 353284, Orphanet 783, MedGen C3150941, MONDO:0013364, OMIM 613684.
EP300-related disorder. Also called: EP300-related condition; EP300-related disorders.

gnomAD v4.1: 12 of 1,613,932 alleles (0.00074%); highest among the groups gnomAD compares: African/African-American, 0.013%; no homozygotes.

Submissions (3):

PreventionGenetics, part of Exact Sciences
Classification: Uncertain significance for EP300-related condition. Last evaluated: 2026-09-16. Review status: criteria provided, single submitter. Criteria: ACMG Guidelines, 2015. Collection method: clinical testing. Allele origin: germline.
Comment: The EP300 c.5674G>A variant is predicted to result in the amino acid substitution p.Ala1892Thr. This variant was documented in an individual from a congenital heart disease cohort without additional supporting clinical or functional data (Extended Data Set 4 in Sierant et al. 2025. PubMed ID: 40127276). This variant is reported in 0.012% of alleles in individuals of African descent in gnomAD, which is likely too common to be a primary cause of disease. Although we suspect this variant may be benign, at this time, the clinical significance of this variant is uncertain due to the absence of conclusive functional and genetic evidence.

Ambry Genetics
Classification: Likely benign for Inborn genetic diseases. Last evaluated: 2026-03-25. Review status: criteria provided, single submitter. Criteria: Ambry Variant Classification Scheme 2023. Collection method: clinical testing. Allele origin: germline.

Labcorp Genetics (formerly Invitae), Labcorp
Classification: Likely benign for Rubinstein-Taybi syndrome due to EP300 haploinsufficiency. Last evaluated: 2024-12-19. Review status: criteria provided, single submitter. Criteria: Invitae Variant Classification Sherloc (09022015). Collection method: clinical testing. Allele origin: germline.

NM_001429.4(EP300):c.5674G>A (p.Ala1892Thr)

Gene: EP300 (EP300 lysine acetyltransferase; plus strand). Cytogenetic location: 22q13.2.
Variant type: single nucleotide variant.
Coding change: c.5674G>A on transcript NM_001429.4 (MANE Select); coding-DNA position 5674, G replaced by A.
Protein change: p.Ala1892Thr; replaces alanine 1892 with threonine.
Molecular consequence: missense variant.
Genome position (GRCh38, 1-based): chr22:41,177,385, G>A. VCF-style: chr22-41177385-G-A. GRCh37 (hg19) VCF-style: chr22-41573389-G-A.
Other names: c.5596G>A, p.Ala1866Thr (NM_001362843.2); short protein forms A1866T, A1892T.
Identifiers: ClinVar variation 3358022 (VCV003358022.5).